The following is an entry in ClinVar:

ClinVar aggregate classification (germline): Likely benign. Review status: criteria provided, multiple submitters, no conflicts (2 of 4 stars). 3 submissions from 3 submitters: Likely benign (2). 1 of the submissions does not count toward it. Last evaluated 2026-01-15.

Conditions:
SPECC1L-related disorder. Also called: SPECC1L-related condition.

Allele frequency attached by ClinVar (database versions not stated): ExAC 0.00048; gnomAD exomes 0.00052 and 0.00069; ESP Exome Variant Server 0.00054; gnomAD 0.00077 and 0.00082; TOPMed 0.00085; 1000 Genomes Project 30x 0.00094; 1000 Genomes Project 0.00100.
gnomAD v4.1: 1,125 of 1,613,968 alleles (0.07%); highest among the groups gnomAD compares: Admixed American, 0.13%; 2 homozygotes.

Submissions (3):

Labcorp Genetics (formerly Invitae), Labcorp
Classification: Likely benign. Last evaluated: 2026-01-15. Review status: criteria provided, single submitter. Criteria: Invitae Variant Classification Sherloc (09022015). Collection method: clinical testing. Allele origin: germline.

Blueprint Genetics
Classification: Likely benign. Last evaluated: 2024-11-21. Review status: criteria provided, single submitter. Criteria: ACMG Guidelines, 2015. Collection method: clinical testing. Allele origin: germline.

PreventionGenetics, part of Exact Sciences
Classification: Likely benign for SPECC1L-related condition. Last evaluated: 2020-05-05. Review status: no assertion criteria provided. Collection method: clinical testing. Allele origin: germline. Not counted in ClinVar's aggregate classification.
Comment: This variant is classified as likely benign based on ACMG/AMP sequence variant interpretation guidelines (Richards et al. 2015 PMID: 25741868, with internal and published modifications).

NM_015330.6(SPECC1L):c.2004G>A (p.Thr668=)

Genes: SPECC1L (sperm antigen with calponin homology and coiled-coil domains 1 like; plus strand), SPECC1L-ADORA2A (SPECC1L-ADORA2A readthrough (NMD candidate); plus strand). Cytogenetic location: 22q11.23.
Variant type: single nucleotide variant.
Coding change: c.2004G>A on transcript NM_015330.6 (MANE Select); coding-DNA position 2004, G replaced by A.
Protein change: p.Thr668=; no amino-acid change (threonine 668 retained).
Molecular consequence: synonymous variant. On other transcripts: non-coding transcript variant (1).
Genome position (GRCh38, 1-based): chr22:24,324,285, G>A. VCF-style: chr22-24324285-G-A. GRCh37 (hg19) VCF-style: chr22-24720253-G-A.
Other names: c.2004G>A, p.Thr668= (NM_001145468.4, NM_001254732.3).
Identifiers: ClinVar variation 789679 (VCV000789679.12), dbSNP rs147450336, ClinGen allele CA10152218.